The following is an entry in ClinVar:

ClinVar aggregate classification (germline): Conflicting classifications of pathogenicity. Review status: criteria provided, conflicting classifications (1 of 4 stars). 2 submissions from 2 submitters: Uncertain significance (1); Likely benign (1). Last evaluated 2026-01-28.

Conditions:
Adams-Oliver syndrome 5 (AOS5). Identifiers: Orphanet 974, MedGen C4014970, MONDO:0014459, OMIM 616028.
Aortic valve disease 1 (AOVD1). Identifiers: MedGen C3887892, MONDO:0024523, OMIM 109730.

Allele frequency attached by ClinVar (database versions not stated): gnomAD 0.00002 and 0.00005; ExAC 0.00004; TOPMed 0.00004; gnomAD exomes 0.00006; 1000 Genomes Project 30x 0.00016; 1000 Genomes Project 0.00020; ESP Exome Variant Server 0.00023.
gnomAD v4.1: 118 of 1,606,976 alleles (0.0073%); highest among the groups gnomAD compares: Middle Eastern, 0.017%; no homozygotes.

Submissions (2):

Labcorp Genetics (formerly Invitae), Labcorp
Classification: Likely benign for Adams-Oliver syndrome 5. Last evaluated: 2026-01-28. Review status: criteria provided, single submitter. Criteria: Invitae Variant Classification Sherloc (09022015). Collection method: clinical testing. Allele origin: germline.

Baylor Genetics
Classification: Uncertain significance for Aortic valve disease 1. Last evaluated: 2018-03-02. Review status: criteria provided, single submitter. Criteria: ACMG Guidelines, 2015. Collection method: clinical testing. Allele origin: paternal. Affected: yes.
Comment: This variant was determined to be of uncertain significance according to ACMG Guidelines, 2015 [PMID:25741868].

NM_017617.5(NOTCH1):c.1256-15G>A

Gene: NOTCH1 (notch receptor 1; minus strand). Cytogenetic location: 9q34.3.
Variant type: single nucleotide variant.
Coding change: c.1256-15G>A on transcript NM_017617.5 (MANE Select); 15 bases into the intron before coding-DNA position 1256, G replaced by A.
Molecular consequence: intron variant.
Genome position (GRCh38, 1-based): chr9:136,517,952, C>T on the plus strand (G>A on the coding strand, the complement: NOTCH1 is on the minus strand). VCF-style: chr9-136517952-C-T. GRCh37 (hg19) VCF-style: chr9-139412404-C-T.
Identifiers: ClinVar variation 1033431 (VCV001033431.9), dbSNP rs200086842, ClinGen allele CA5341847.
Genomic context (GRCh38, chr9:136,517,952, plus strand): 5'-CCCAGCGTGTTGATGCACTTGCCCGCATGCTCGCAGGGGTTGGCACCTGGCGAGGGCACA[C>T]GGGTGAGAGGCTGCTCCAGGCACCCTGGCCCCTGCAACACCTCACTGCACACCACCCCCA-3'